The following is an entry in ClinVar:

ClinVar aggregate classification (germline): Likely benign. Review status: criteria provided, multiple submitters, no conflicts (2 of 4 stars). 2 submissions from 2 submitters: Likely benign (2). Last evaluated 2025-10-04.

Conditions:
PLXNA3-related disorder. Also called: PLXNA3-related condition.

Allele frequency attached by ClinVar (database versions not stated): TOPMed 0.00001; gnomAD 0.00006; gnomAD exomes 0.00008; ExAC 0.00028; 1000 Genomes Project 0.00079; 1000 Genomes Project 30x 0.00104.
gnomAD v4.1: 95 of 1,206,394 alleles (0.0079%); highest among the groups gnomAD compares: South Asian, 0.16%; no homozygotes.

Submissions (2):

PreventionGenetics, part of Exact Sciences
Classification: Likely benign for PLXNA3-related condition. Last evaluated: 2025-10-04. Review status: criteria provided, single submitter. Criteria: ACMG Guidelines, 2015. Collection method: clinical testing. Allele origin: germline.
Comment: This variant is classified as likely benign based on ACMG/AMP sequence variant interpretation guidelines (Richards et al. 2015 PMID: 25741868, with internal and published modifications).

CeGaT Center for Human Genetics Tuebingen
Classification: Likely benign. Last evaluated: 2023-03-01. Review status: criteria provided, single submitter. Criteria: CeGaT Center For Human Genetics Tuebingen Variant Classification Criteria Version 2. Collection method: clinical testing. Allele origin: germline. Affected: yes. Observed: 1 variant allele.
Comment: PLXNA3: BP4, BS2

NM_017514.5(PLXNA3):c.4987-4A>G

Gene: PLXNA3 (plexin A3; plus strand). Cytogenetic location: Xq28.
Variant type: single nucleotide variant.
Coding change: c.4987-4A>G on transcript NM_017514.5 (MANE Select); 4 bases into the intron before coding-DNA position 4987, A replaced by G.
Molecular consequence: intron variant.
Genome position (GRCh38, 1-based): chrX:154,470,438, A>G. VCF-style: chrX-154470438-A-G. GRCh37 (hg19) VCF-style: chrX-153698781-A-G.
Other names: c.4987-4A>G (NM_017514.4).
Identifiers: ClinVar variation 2661846 (VCV002661846.25), dbSNP rs782188099, ClinGen allele CA10565028.